The following is an entry in ClinVar:

ClinVar aggregate classification (germline): Uncertain significance (1 of 4 stars; one submission).

Allele frequency attached by ClinVar (database versions not stated): ExAC 0.00001.

Submission:

CeGaT Center for Human Genetics Tuebingen
Classification: Uncertain significance. Last evaluated: 2022-11-01. Review status: criteria provided, single submitter. Criteria: CeGaT Center For Human Genetics Tuebingen Variant Classification Criteria Version 2. Collection method: clinical testing. Allele origin: germline. Affected: yes. Observed: 1 variant allele.
Comment: GARS1: PM2, PM5, PP3

NM_002047.4(GARS1):c.1955G>A (p.Gly652Glu)

Gene: GARS1 (glycyl-tRNA synthetase 1; plus strand). Cytogenetic location: 7p14.3.
Variant type: single nucleotide variant.
Coding change: c.1955G>A on transcript NM_002047.4 (MANE Select); coding-DNA position 1955, G replaced by A.
Protein change: p.Gly652Glu; replaces glycine 652 with glutamic acid.
Molecular consequence: missense variant.
Genome position (GRCh38, 1-based): chr7:30,632,298, G>A. VCF-style: chr7-30632298-G-A. GRCh37 (hg19) VCF-style: chr7-30671914-G-A.
Other names: c.1793G>A, p.Gly598Glu (NM_001316772.1); short protein forms G598E, G652E.
Identifiers: ClinVar variation 2657372 (VCV002657372.24), dbSNP rs747080824, ClinGen allele CA4206131.